The following is an entry in ClinVar:

ClinVar aggregate classification (germline): Conflicting classifications of pathogenicity. Review status: criteria provided, conflicting classifications (1 of 4 stars). 4 submissions from 4 submitters: Uncertain significance (1); Benign (1); Likely benign (2). Last evaluated 2025-12-26.

Conditions:
Hereditary cancer-predisposing syndrome. Also called: Hereditary neoplastic syndrome; Tumor predisposition; Hereditary Cancer Syndrome; Neoplastic Syndromes, Hereditary. Identifiers: Orphanet 140162, MedGen C0027672, MeSH D009386, MONDO:0015356.
Tuberous sclerosis 2 (TSC2). Identifiers: Orphanet 805, MedGen C1860707, MONDO:0013199, OMIM 613254.

Allele frequency attached by ClinVar (database versions not stated): ExAC 0.00001; gnomAD exomes below 0.00001 and 0.00001; TOPMed 0.00001.
gnomAD v4.1: 7 of 1,613,896 alleles (0.00043%); highest among the groups gnomAD compares: Non-Finnish European, 0.00051%; no homozygotes.

Submissions (4):

Dasa
Classification: Uncertain significance for Tuberous sclerosis 2. Last evaluated: 2025-12-26. Review status: criteria provided, single submitter. Criteria: DASA Assertion Criteria. Collection method: clinical testing. Allele origin: germline.
Comment: NM_000548.5(TSC2):c.1472C>T (p.Ser491Leu) is a missense variant that results in the substitution of serine with leucine. This variant is rare in population databases. The currently available literature and clinical evidence are not sufficient to establish a definitive association between this variant and the reported condition. Therefore, this variant is classified as a variant of uncertain significance.

Labcorp Genetics (formerly Invitae), Labcorp
Classification: Benign for Tuberous sclerosis 2. Last evaluated: 2025-09-21. Review status: criteria provided, single submitter. Criteria: Invitae Variant Classification Sherloc (09022015). Collection method: clinical testing. Allele origin: germline.

Ambry Genetics
Classification: Likely benign for Hereditary cancer-predisposing syndrome. Last evaluated: 2022-09-27. Review status: criteria provided, single submitter. Criteria: Ambry Variant Classification Scheme 2023. Collection method: clinical testing. Allele origin: germline.

Genome-Nilou Lab
Classification: Likely benign for Tuberous sclerosis 2. Last evaluated: 2021-11-07. Review status: criteria provided, single submitter. Criteria: ACMG Guidelines, 2015. Collection method: clinical testing. Allele origin: germline. Affected: no.

NM_000548.5(TSC2):c.1472C>T (p.Ser491Leu)

Gene: TSC2 (TSC complex subunit 2; plus strand). Cytogenetic location: 16p13.3.
Variant type: single nucleotide variant.
Coding change: c.1472C>T on transcript NM_000548.5 (MANE Select); coding-DNA position 1472, C replaced by T.
Protein change: p.Ser491Leu; replaces serine 491 with leucine.
Molecular consequence: missense variant.
Genome position (GRCh38, 1-based): chr16:2,064,300, C>T. VCF-style: chr16-2064300-C-T. GRCh37 (hg19) VCF-style: chr16-2114301-C-T.
Other names: c.1472C>T, p.Ser491Leu (NM_001077183.3, NM_001114382.3, NM_001363528.2 and 3 more transcripts); c.1361C>T, p.Ser454Leu (NM_001318827.2); c.1325C>T, p.Ser442Leu (NM_001318829.2); c.872C>T, p.Ser291Leu (NM_001318831.2); c.1505C>T, p.Ser502Leu (NM_001318832.2); short protein forms S491L, S442L, S454L, S291L, S502L.
Identifiers: ClinVar variation 406025 (VCV000406025.20), dbSNP rs45517176, ClinGen allele CA030754.
Genomic context (GRCh38, chr16:2,064,300, plus strand): 5'-GGCGCTCATTGGCCTCCCTTGTGCCTGTGCAGGAGGAGCTGATTAACTCAGTGGTCATCT[C>T]GCAGCTCTCCCACATCCCCGAGGATAAAGACCACCAGGTCCGAAAGCTGGCCACCCAGTT-3'
Protein context (NP_000539.2, residues 481-501): EEELINSVVI[Ser491Leu]QLSHIPEDKD